The following is an entry in ClinVar:

NM_032634.4(PIGO):c.2191dup (p.Arg731fs)

Gene: PIGO (phosphatidylinositol glycan anchor biosynthesis class O; minus strand). Cytogenetic location: 9p13.3.
Variant type: Duplication.
Coding change: c.2191dup on transcript NM_032634.4 (MANE Select); coding-DNA position 2191, one base duplicated (C; older notation c.2191dupC).
Protein change: p.Arg731fs; shifts the reading frame from arginine 731.
Molecular consequence: frameshift variant. On other transcripts: intron variant (2).
Genome position (GRCh38, 1-based): chr9:35,091,696, G duplicated on the plus strand (C on the coding strand, the reverse complement: PIGO is on the minus strand); the first of 7 consecutive G bases (chr9:35,091,696-35,091,702); duplicating any one gives the same sequence. VCF-style (leftmost placement, unchanged base first): chr9-35091695-C-CG. GRCh37 (hg19) VCF-style: chr9-35091692-C-CG.
Other names: c.2191dupC (NM_032634.3, NM_032634.4); c.1345-405dup (NM_152850.4, NM_001201484.2); short protein forms R731fs.
Identifiers: ClinVar variation 574404 (VCV000574404.22), dbSNP rs760848629, ClinGen allele CA5040477.

ClinVar aggregate classification (germline): Pathogenic/Likely pathogenic. Review status: criteria provided, multiple submitters, no conflicts (2 of 4 stars). 8 submissions from 8 submitters: Pathogenic (4); Likely pathogenic (4). Last evaluated 2026-01-26.

Conditions:
Hyperphosphatasia with impaired intellectual development syndrome 2. Also called: GLYCOSYLPHOSPHATIDYLINOSITOL BIOSYNTHESIS DEFECT 6; Hyperphosphatasia with intellectual disability syndrome 2. Identifiers: Orphanet 247262, MedGen C3553637, MONDO:0013882, OMIM 614749.
PIGO-related disorder. Also called: PIGO-related condition.

Submissions (8):

Labcorp Genetics (formerly Invitae), Labcorp
Classification: Pathogenic for Hyperphosphatasia with impaired intellectual development syndrome 2. Last evaluated: 2026-01-26. Review status: criteria provided, single submitter. Criteria: Invitae Variant Classification Sherloc (09022015). Collection method: clinical testing. Allele origin: germline.
Comment: This sequence change creates a premature translational stop signal (p.Arg731Profs*62) in the PIGO gene. It is expected to result in an absent or disrupted protein product. Loss-of-function variants in PIGO are known to be pathogenic (PMID: 22683086, 24417746). The frequency data for this variant in the population databases is considered unreliable, as metrics indicate poor data quality at this position in the gnomAD database. This variant has not been reported in the literature in individuals affected with PIGO-related conditions. ClinVar contains an entry for this variant (Variation ID: 574404). For these reasons, this variant has been classified as Pathogenic.

GeneDx
Classification: Likely pathogenic. Last evaluated: 2025-08-29. Review status: criteria provided, single submitter. Criteria: GeneDx Variant Classification Process June 2021. Collection method: clinical testing. Allele origin: germline. Affected: yes.
Comment: Reported as heterozygous in individuals from a cohort of patients with epilepsy, although it is unknown if other PIGO variants were present on the opposite allele (in trans) (PMID: 31440721); Frameshift variant predicted to result in protein truncation or nonsense mediated decay in a gene for which loss of function is a known mechanism of disease; Not observed at significant frequency in large population cohorts (gnomAD); This variant is associated with the following publications: (PMID: 24417746, 22683086, 31440721)

Variantyx, Inc.
Classification: Likely pathogenic for Hyperphosphatasia with impaired intellectual development syndrome 2. Last evaluated: 2025-05-19. Review status: criteria provided, single submitter. Criteria: Variantyx Assertion Criteria 2022. Collection method: clinical testing. Allele origin: germline. Inheritance: Autosomal recessive inheritance. Affected: no.
Comment: This is a frameshift variant in the PIGO gene (OMIM: 614730). Pathogenic variants in this gene have been associated with autosomal recessive hyperphosphatasia with impaired intellectual development syndrome 2. This variant introduces a premature termination codon in exon 7 out of 11 and is expected to result in loss of function, which is a known disease mechanism for PIGO in this disorder (PMID: 39767685) (PVS1). This variant has a 0.0105% maximum allele frequency in non-founder control populations (PM2). Based on the current evidence, this variant is classified as likely pathogenic for autosomal recessive hyperphosphatasia with impaired intellectual development syndrome 2.

Women's Health and Genetics/Laboratory Corporation of America, LabCorp
Classification: Pathogenic for Hyperphosphatasia with impaired intellectual development syndrome 2. Last evaluated: 2024-07-24. Review status: criteria provided, single submitter. Criteria: LabCorp Variant Classification Summary - May 2015. Collection method: clinical testing. Allele origin: germline.
Comment: Variant summary: PIGO c.2191dupC (p.Arg731ProfsX62) results in a premature termination codon, predicted to cause absence of the protein due to nonsense mediated decay, which is a commonly known mechanism for disease. The frequency data for this variant in gnomAD v2.1 is considered unreliable, as metrics indicate poor data quality at this position. However, in gnomAD v4.1, the variant was found at a frequency of 8.3e-5 in 1612130 chromosomes. To our knowledge, no occurrence of c.2191dupC in individuals affected with Hyperphosphatasia With Intellectual Disability Syndrome 2 and no experimental evidence demonstrating its impact on protein function have been reported. ClinVar contains an entry for this variant (Variation ID: 574404). Based on the evidence outlined above, the variant was classified as pathogenic.

Blueprint Genetics
Classification: Likely pathogenic for PIGO-related disorders. Last evaluated: 2024-05-06. Review status: criteria provided, single submitter. Criteria: ACMG Guidelines, 2015. Collection method: clinical testing. Allele origin: germline. Affected: yes. Observed: 5 variant alleles.

Fulgent Genetics
Classification: Pathogenic for Hyperphosphatasia with impaired intellectual development syndrome 2. Last evaluated: 2024-05-02. Review status: criteria provided, single submitter. Criteria: ACMG Guidelines, 2015. Collection method: clinical testing. Allele origin: germline.

Baylor Genetics
Classification: Pathogenic for Hyperphosphatasia with impaired intellectual development syndrome 2. Last evaluated: 2022-07-06. Review status: criteria provided, single submitter. Criteria: ACMG Guidelines, 2015. Collection method: clinical testing. Allele origin: unknown.

Knight Diagnostic Laboratories, Oregon Health and Sciences University
Classification: Likely pathogenic for Hyperphosphatasia with mental retardation syndrome 2. Last evaluated: 2019-10-09. Review status: criteria provided, single submitter. Criteria: ACMG Guidelines, 2015. Collection method: clinical testing. Allele origin: germline. Observed: 1 variant allele.

Literature cited by the submitters: PubMed 22683086 (cited by Labcorp Genetics (formerly Invitae), Labcorp); PubMed 24417746 (cited by Labcorp Genetics (formerly Invitae), Labcorp); PubMed 39767685 (cited by Variantyx, Inc.).